The following is an entry in ClinVar:

NM_020975.6(RET):c.3039+5G>C

Gene: RET (ret proto-oncogene; plus strand). Cytogenetic location: 10q11.21.
Variant type: single nucleotide variant.
Coding change: c.3039+5G>C on transcript NM_020975.6 (MANE Select); 5 bases into the intron after coding-DNA position 3039, G replaced by C.
Molecular consequence: intron variant.
Genome position (GRCh38, 1-based): chr10:43,124,987, G>C. VCF-style: chr10-43124987-G-C. GRCh37 (hg19) VCF-style: chr10-43620435-G-C.
Other names: c.3039+5G>C (NM_020630.7, NM_001406743.1, NM_001406744.1 and 2 more transcripts); c.2904+5G>C (NM_001406765.1, NM_001406763.1); c.2643+5G>C (NM_001406772.1, NM_001406769.1); c.2601+5G>C (NM_001406773.1, NM_001406771.1); c.2142+5G>C (NM_001406782.1, NM_001406780.1, NM_001406779.1 and 1 more transcripts); c.2007+5G>C (NM_001406787.1); c.2022+5G>C (NM_001406785.1); c.2910+5G>C (NM_001406764.1, NM_001406762.1, NM_001406761.1); and 10 more.
Identifiers: ClinVar variation 233891 (VCV000233891.8), dbSNP rs876660714, ClinGen allele CA10578871.

ClinVar aggregate classification (germline): Uncertain significance (1 of 4 stars; one submission).

Conditions:
Hereditary cancer-predisposing syndrome. Also called: Tumor predisposition; Hereditary neoplastic syndrome; Hereditary Cancer Syndrome; Neoplastic Syndromes, Hereditary. Identifiers: Orphanet 140162, MedGen C0027672, MeSH D009386, MONDO:0015356.

Allele frequency attached by ClinVar (database versions not stated): gnomAD exomes below 0.00001.
gnomAD v4.1: 1 of 1,613,920 alleles (0.000062%); highest among the groups gnomAD compares: Non-Finnish European, 0.000085%; no homozygotes.

Submission:

Ambry Genetics
Classification: Uncertain significance for Hereditary cancer-predisposing syndrome. Last evaluated: 2026-02-20. Review status: criteria provided, single submitter. Criteria: Ambry Variant Classification Scheme 2023. Collection method: clinical testing. Allele origin: germline.
Comment: The c.3039+5G>C intronic variant results from a G to C substitution 5 nucleotides after coding exon 18 in the RET gene. This nucleotide position is highly conserved in available vertebrate species. In silico splice site analysis predicts that this alteration will weaken the native splice donor site and will result in the creation or strengthening of a novel splice donor site. Based on the available evidence, the clinical significance of this variant remains unclear.